The following is an entry in ClinVar:

ClinVar aggregate classification (germline): Uncertain significance. Review status: criteria provided, single submitter (1 of 4 stars). 2 submissions from 2 submitters: Uncertain significance (1). 1 of the submissions does not count toward it. Last evaluated 2025-06-22.

Conditions:
Duchenne muscular dystrophy (DMD). Also called: Duchenne Muscular Dystrophy (DMD); MUSCULAR DYSTROPHY, PSEUDOHYPERTROPHIC PROGRESSIVE, DUCHENNE TYPE. Identifiers: Orphanet 98896, MedGen C0013264, MONDO:0010679, OMIM 310200.
Dystrophin deficiency.
Becker muscular dystrophy (BMD). Also called: MUSCULAR DYSTROPHY, PSEUDOHYPERTROPHIC PROGRESSIVE, BECKER TYPE; Becker Muscular Dystrophy (BMD). Identifiers: Orphanet 98895, MedGen C0917713, MONDO:0010311, OMIM 300376.
Cardiomyopathy (CMYO). Also called: Cardiomyopathies. Identifiers: Orphanet 167848, MedGen C0878544, MONDO:0004994, HP:0001638. Inheritance: Various modes of inheritance.

Allele frequency attached by ClinVar (database versions not stated): gnomAD exomes below 0.00001.
gnomAD v4.1: 1 of 1,210,315 alleles (0.000083%); highest among the groups gnomAD compares: Admixed American, 0.0022%; no homozygotes.

Submissions (2):

Labcorp Genetics (formerly Invitae), Labcorp
Classification: Uncertain significance for Duchenne muscular dystrophy. Last evaluated: 2025-06-22. Review status: criteria provided, single submitter. Criteria: Invitae Variant Classification Sherloc (09022015). Collection method: clinical testing. Allele origin: germline.
Comment: This sequence change replaces glutamine, which is neutral and polar, with lysine, which is basic and polar, at codon 990 of the DMD protein (p.Gln990Lys). This variant is not present in population databases (gnomAD no frequency). This variant has not been reported in the literature in individuals affected with DMD-related conditions. ClinVar contains an entry for this variant (Variation ID: 835793). Invitae Evidence Modeling of protein sequence and biophysical properties (such as structural, functional, and spatial information, amino acid conservation, physicochemical variation, residue mobility, and thermodynamic stability) indicates that this missense variant is not expected to disrupt DMD protein function with a negative predictive value of 95%. In summary, the available evidence is currently insufficient to determine the role of this variant in disease. Therefore, it has been classified as a Variant of Uncertain Significance.

Natera, Inc.
Classification: Uncertain significance for Becker muscular dystrophy; Cardiomyopathy; Duchenne muscular dystrophy; Dystrophin deficiency. Last evaluated: 2020-12-28. Review status: no assertion criteria provided. Collection method: clinical testing. Allele origin: germline. Not counted in ClinVar's aggregate classification.

NM_004006.3(DMD):c.2968C>A (p.Gln990Lys)

Gene: DMD (dystrophin; minus strand). Cytogenetic location: Xp21.1.
Variant type: single nucleotide variant.
Coding change: c.2968C>A on transcript NM_004006.3 (MANE Select); coding-DNA position 2968, C replaced by A.
Protein change: p.Gln990Lys; replaces glutamine 990 with lysine.
Molecular consequence: missense variant.
Genome position (GRCh38, 1-based): chrX:32,468,692, G>T on the plus strand (C>A on the coding strand, the complement: DMD is on the minus strand). VCF-style: chrX-32468692-G-T. GRCh37 (hg19) VCF-style: chrX-32486809-G-T.
Other names: c.2944C>A, p.Gln982Lys (NM_000109.4); c.2956C>A, p.Gln986Lys (NM_004009.3); c.2599C>A, p.Gln867Lys (NM_004010.3); short protein forms Q982K, Q867K, Q990K, Q986K.
Identifiers: ClinVar variation 835793 (VCV000835793.10), dbSNP rs1233380601, ClinGen allele CA412667161.
Genomic context (GRCh38, chrX:32,468,692, plus strand): 5'-CTTTCTTCGACATCTCTTTCACAGTGGTGCTGAGATAGTATAGGCCACTTTGTTGCTCTT[G>T]CAGAGAACTTTGTAAAGCCTAAAAAACAATTTTTTAAATACATTTACCCTAATTGATGAA-3'
Protein context (NP_003997.2, residues 980-1000): GELQALQSSL[Gln990Lys]EQQSGLYYLS